The following is an entry in ClinVar:

ClinVar aggregate classification (germline): Uncertain significance. Review status: criteria provided, multiple submitters, no conflicts (2 of 4 stars). 2 submissions from 2 submitters: Uncertain significance (2). Last evaluated 2024-04-29.

Conditions:
Inborn genetic diseases. Identifiers: MedGen C0950123, MeSH D030342.
Neuronopathy, distal hereditary motor, autosomal recessive 4. Also called: Autosomal recessive lower motor neuron disease with childhood onset; NEUROPATHY, DISTAL HEREDITARY MOTOR, AUTOSOMAL RECESSIVE 4. Identifiers: Orphanet 206580, MedGen C1970211, MONDO:0012608, OMIM 611067.
Charcot-Marie-Tooth disease recessive intermediate C. Also called: CHARCOT-MARIE-TOOTH NEUROPATHY, RECESSIVE INTERMEDIATE C. Identifiers: Orphanet 369867, MedGen C3809309, MONDO:0014154, OMIM 615376.

Allele frequency attached by ClinVar (database versions not stated): gnomAD exomes 0.00001 and 0.00004; ExAC 0.00005; ESP Exome Variant Server 0.00008; gnomAD 0.00015 and 0.00016; TOPMed 0.00019.
gnomAD v4.1: 38 of 1,589,348 alleles (0.0024%); highest among the groups gnomAD compares: African/African-American, 0.05%; no homozygotes.

Submissions (2):

Ambry Genetics
Classification: Uncertain significance for Inborn genetic diseases. Last evaluated: 2024-04-29. Review status: criteria provided, single submitter. Criteria: Ambry Variant Classification Scheme 2023. Collection method: clinical testing. Allele origin: germline.

Labcorp Genetics (formerly Invitae), Labcorp
Classification: Uncertain significance for Neuronopathy, distal hereditary motor, autosomal recessive 4; Charcot-Marie-Tooth disease recessive intermediate C. Last evaluated: 2021-10-28. Review status: criteria provided, single submitter. Criteria: Invitae Variant Classification Sherloc (09022015). Collection method: clinical testing. Allele origin: germline.
Comment: This sequence change replaces histidine, which is basic and polar, with tyrosine, which is neutral and polar, at codon 872 of the PLEKHG5 protein (p.His872Tyr). This variant is present in population databases (rs372143370, gnomAD 0.06%). This variant has not been reported in the literature in individuals affected with PLEKHG5-related conditions. Algorithms developed to predict the effect of missense changes on protein structure and function (SIFT, PolyPhen-2, Align-GVGD) all suggest that this variant is likely to be tolerated. In summary, the available evidence is currently insufficient to determine the role of this variant in disease. Therefore, it has been classified as a Variant of Uncertain Significance.

NM_020631.6(PLEKHG5):c.2614C>T (p.His872Tyr)

Gene: PLEKHG5 (pleckstrin homology and RhoGEF domain containing G5; minus strand). Cytogenetic location: 1p36.31.
Variant type: single nucleotide variant.
Coding change: c.2614C>T on transcript NM_020631.6 (MANE Select); coding-DNA position 2614, C replaced by T.
Protein change: p.His872Tyr; replaces histidine 872 with tyrosine.
Molecular consequence: missense variant.
Genome position (GRCh38, 1-based): chr1:6,468,222, G>A on the plus strand (C>T on the coding strand, the complement: PLEKHG5 is on the minus strand). VCF-style: chr1-6468222-G-A. GRCh37 (hg19) VCF-style: chr1-6528282-G-A.
Other names: c.2614C>T, p.His872Tyr (NM_001042664.2, NM_001042665.2, NM_198681.4 and 1 more transcripts); c.2725C>T, p.His909Tyr (NM_001265592.2, NM_001042663.3); c.2821C>T, p.His941Tyr (NM_001265593.2); short protein forms H872Y, H909Y, H941Y.
Identifiers: ClinVar variation 1470424 (VCV001470424.4), dbSNP rs372143370, ClinGen allele CA561120.
Genomic context (GRCh38, chr1:6,468,222, plus strand): 5'-GGGTGCCAGCCCCTGCCAGCAGCTGGAGGAGGCTGGCCTCGGACTTAGACTTGAGCAGGT[G>A]GGGCGGGCAGCTCAACAGCTGGACAGGGGTGCGGCGGCGGAGACGGGGCGAGGGTGGAGG-3'
Protein context (NP_065682.2, residues 862-882): TPVQLLSCPP[His872Tyr]LLKSKSEASL